The following is an entry in ClinVar:

NM_178452.6(DNAAF1):c.741+3_741+8del

Gene: DNAAF1 (dynein axonemal assembly factor 1; plus strand). Cytogenetic location: 16q24.1.
Variant type: Deletion.
Coding change: c.741+3_741+8del on transcript NM_178452.6 (MANE Select); bases 3 to 8 of the intron after coding-DNA position 741, 6 bases deleted (AAAAAA; older notation c.741+3_741+8delAAAAAA).
Molecular consequence: intron variant.
Genome position (GRCh38, 1-based): chr16:84,155,752-84,155,757, AAAAAA deleted. VCF-style (leftmost placement, unchanged base first): chr16-84155751-TAAAAAA-T. GRCh37 (hg19) VCF-style: chr16-84189356-TAAAAAA-T.
Identifiers: ClinVar variation 3360112 (VCV003360112.1).

ClinVar aggregate classification (germline): Uncertain significance (1 of 4 stars; one submission).

Submission:

GeneDx
Classification: Uncertain significance. Last evaluated: 2023-06-22. Review status: criteria provided, single submitter. Criteria: GeneDx Variant Classification Process June 2021. Collection method: clinical testing. Allele origin: germline. Affected: yes.
Comment: Not observed at significant frequency in large population cohorts (gnomAD); In silico analysis supports a deleterious effect on splicing; Has not been previously published as pathogenic or benign to our knowledge